The following is an entry in ClinVar:

ClinVar aggregate classification (germline): Uncertain significance (1 of 4 stars; one submission).

Conditions:
Encephalopathy, acute, infection-induced (herpes-specific), susceptibility to, 1. Also called: Herpes simplex encephalitis, susceptibility to, 1. Identifiers: Orphanet 1930, MedGen C2750180, MONDO:0024563, OMIM 610551.

Submission:

Labcorp Genetics (formerly Invitae), Labcorp
Classification: Uncertain significance for Encephalopathy, acute, infection-induced (herpes-specific), susceptibility to, 1. Last evaluated: 2023-11-20. Review status: criteria provided, single submitter. Criteria: Invitae Variant Classification Sherloc (09022015). Collection method: clinical testing. Allele origin: germline.
Comment: This sequence change replaces methionine, which is neutral and non-polar, with isoleucine, which is neutral and non-polar, at codon 84 of the UNC93B1 protein (p.Met84Ile). This variant is not present in population databases (gnomAD no frequency). This variant has not been reported in the literature in individuals affected with UNC93B1-related conditions. ClinVar contains an entry for this variant (Variation ID: 1007625). Experimental studies and prediction algorithms are not available or were not evaluated, and the functional significance of this variant is currently unknown. In summary, the available evidence is currently insufficient to determine the role of this variant in disease. Therefore, it has been classified as a Variant of Uncertain Significance.

NM_030930.4(UNC93B1):c.252G>A (p.Met84Ile)

Gene: UNC93B1 (unc-93B1 regulator of TLR signaling; minus strand). Cytogenetic location: 11q13.2.
Variant type: single nucleotide variant.
Coding change: c.252G>A on transcript NM_030930.4 (MANE Select); coding-DNA position 252, G replaced by A.
Protein change: p.Met84Ile; replaces methionine 84 with isoleucine.
Molecular consequence: missense variant.
Genome position (GRCh38, 1-based): chr11:68,003,162, C>T on the plus strand (G>A on the coding strand, the complement: UNC93B1 is on the minus strand). VCF-style: chr11-68003162-C-T. GRCh37 (hg19) VCF-style: chr11-67770632-C-T.
Other names: short protein forms M84I.
Identifiers: ClinVar variation 1007625 (VCV001007625.7), dbSNP rs1857074389, ClinGen allele CA381578590.
Genomic context (GRCh38, chr11:68,003,162, plus strand): 5'-CAGCCCCATGTTGCCATACTTCACCTCGCGGTAGGTCTCGTCGTAGTGCAGGATCAGCTG[C>T]ATCTGCAGGAGGCCTGGGGACAGGACAGAGAGCGGCGTGCAGGGAGCAGCCTAGCTTTGG-3'
Protein context (NP_112192.2, residues 74-94): TYGVYLGLLQ[Met84Ile]QLILHYDETY